The following is an entry in ClinVar:

ClinVar aggregate classification (germline): Uncertain significance (1 of 4 stars; one submission).

Allele frequency attached by ClinVar (database versions not stated): ExAC 0.00001; TOPMed 0.00002.
gnomAD v4.1: 2 of 1,613,484 alleles (0.00012%); highest among the groups gnomAD compares: Admixed American, 0.0033%; no homozygotes.

Submission:

Labcorp Genetics (formerly Invitae), Labcorp
Classification: Uncertain significance. Last evaluated: 2022-06-22. Review status: criteria provided, single submitter. Criteria: Invitae Variant Classification Sherloc (09022015). Collection method: clinical testing. Allele origin: germline.
Comment: In summary, the available evidence is currently insufficient to determine the role of this variant in disease. Therefore, it has been classified as a Variant of Uncertain Significance. Algorithms developed to predict the effect of missense changes on protein structure and function (SIFT, PolyPhen-2, Align-GVGD) all suggest that this variant is likely to be tolerated. This variant has not been reported in the literature in individuals affected with ZNF335-related conditions. This variant is present in population databases (rs771630464, gnomAD 0.006%). This sequence change replaces serine, which is neutral and polar, with threonine, which is neutral and polar, at codon 232 of the ZNF335 protein (p.Ser232Thr).

NM_022095.4(ZNF335):c.695G>C (p.Ser232Thr)

Gene: ZNF335 (zinc finger protein 335; minus strand). Cytogenetic location: 20q13.12.
Variant type: single nucleotide variant.
Coding change: c.695G>C on transcript NM_022095.4 (MANE Select); coding-DNA position 695, G replaced by C.
Protein change: p.Ser232Thr; replaces serine 232 with threonine.
Molecular consequence: missense variant.
Genome position (GRCh38, 1-based): chr20:45,967,853, C>G on the plus strand (G>C on the coding strand, the complement: ZNF335 is on the minus strand). VCF-style: chr20-45967853-C-G. GRCh37 (hg19) VCF-style: chr20-44596492-C-G.
Other names: short protein forms S232T.
Identifiers: ClinVar variation 2083037 (VCV002083037.4), dbSNP rs771630464, ClinGen allele CA9885999.